The following is an entry in ClinVar:

NM_000373.4(UMPS):c.230C>A (p.Thr77Lys)

Gene: UMPS (uridine monophosphate synthetase; plus strand). Cytogenetic location: 3q21.2.
Variant type: single nucleotide variant.
Coding change: c.230C>A on transcript NM_000373.4 (MANE Select); coding-DNA position 230, C replaced by A.
Protein change: p.Thr77Lys; replaces threonine 77 with lysine.
Molecular consequence: missense variant. On other transcripts: non-coding transcript variant (1).
Genome position (GRCh38, 1-based): chr3:124,735,166, C>A. VCF-style: chr3-124735166-C-A. GRCh37 (hg19) VCF-style: chr3-124454013-C-A.
Other names: short protein forms T77K.
Identifiers: ClinVar variation 1053803 (VCV001053803.9), dbSNP rs2150894350, ClinGen allele CA354271292.
Genomic context (GRCh38, chr3:124,735,166, plus strand): 5'-TATTCCAAACTGCCCAAAATGCAGGCATCAGTTTTGACACCGTGTGTGGAGTGCCTTATA[C>A]AGCTTTGCCATTGGCTACAGTTATCTGTTCAACCAATCAAATTCCAATGCTTATTAGAAG-3'
Protein context (NP_000364.1, residues 67-87): SFDTVCGVPY[Thr77Lys]ALPLATVICS

ClinVar aggregate classification (germline): Uncertain significance (1 of 4 stars; one submission).

Conditions:
Hereditary orotic aciduria, type 1. Also called: Orotic aciduria type 1; Oroticaciduria 1. Identifiers: MedGen C0268130.

Submission:

Labcorp Genetics (formerly Invitae), Labcorp
Classification: Uncertain significance for Hereditary orotic aciduria, type 1. Last evaluated: 2020-08-14. Review status: criteria provided, single submitter. Criteria: Invitae Variant Classification Sherloc (09022015). Collection method: clinical testing. Allele origin: germline.
Comment: This sequence change replaces threonine with lysine at codon 77 of the UMPS protein (p.Thr77Lys). The threonine residue is moderately conserved and there is a moderate physicochemical difference between threonine and lysine. This variant is not present in population databases (ExAC no frequency). This variant has not been reported in the literature in individuals with UMPS-related conditions. Algorithms developed to predict the effect of missense changes on protein structure and function are either unavailable or do not agree on the potential impact of this missense change (SIFT: "Tolerated"; PolyPhen-2: "Probably Damaging"; Align-GVGD: "Class C0"). In summary, the available evidence is currently insufficient to determine the role of this variant in disease. Therefore, it has been classified as a Variant of Uncertain Significance.